The following is an entry in ClinVar:

ClinVar aggregate classification (germline): Likely benign. Review status: criteria provided, multiple submitters, no conflicts (2 of 4 stars). 3 submissions from 3 submitters: Likely benign (3). Last evaluated 2025-10-07.

Conditions:
RASopathy. Also called: Noonan spectrum disorder; rasopathies. Identifiers: Orphanet 536391, MedGen C5555857, MONDO:0021060.

Allele frequency attached by ClinVar (database versions not stated): TOPMed below 0.00001; ExAC 0.00001; gnomAD 0.00001; gnomAD exomes 0.00001.
gnomAD v4.1: 21 of 1,613,754 alleles (0.0013%); highest among the groups gnomAD compares: East Asian, 0.011%; no homozygotes.

Submissions (3):

Labcorp Genetics (formerly Invitae), Labcorp
Classification: Likely benign for RASopathy. Last evaluated: 2025-10-07. Review status: criteria provided, single submitter. Criteria: Invitae Variant Classification Sherloc (09022015). Collection method: clinical testing. Allele origin: germline.

Women's Health and Genetics/Laboratory Corporation of America, LabCorp
Classification: Likely benign. Last evaluated: 2020-01-31. Review status: criteria provided, single submitter. Criteria: LabCorp Variant Classification Summary - May 2015. Collection method: clinical testing. Allele origin: germline.

Laboratory for Molecular Medicine, Mass General Brigham Personalized Medicine
Classification: Likely benign. Last evaluated: 2012-06-06. Review status: criteria provided, single submitter. Criteria: LMM Criteria. Collection method: clinical testing. Allele origin: germline. Observed: 1 variant allele.
Comment: Phe743Phe in exon 18 of BRAF: This variant is not expected to have clinical sign ificance because it does not alter an amino acid residue and it is not located w ithin the splice consensus sequence.

NM_004333.6(BRAF):c.2229T>C (p.Phe743=)

Gene: BRAF (B-Raf proto-oncogene, serine/threonine kinase; minus strand). Cytogenetic location: 7q34.
Variant type: single nucleotide variant.
Coding change: c.2229T>C on transcript NM_004333.6 (MANE Select); coding-DNA position 2229, T replaced by C.
Protein change: p.Phe743=; no amino-acid change (phenylalanine 743 retained).
Molecular consequence: synonymous variant. On other transcripts: intron variant (2).
Genome position (GRCh38, 1-based): chr7:140,734,669, A>G on the plus strand (T>C on the coding strand, the complement: BRAF is on the minus strand). VCF-style: chr7-140734669-A-G. GRCh37 (hg19) VCF-style: chr7-140434469-A-G.
Other names: c.2229T>C, p.Phe743= (NM_001354609.2); c.2349T>C, p.Phe783= (NM_001374244.1, NM_001374258.1); c.2238T>C, p.Phe746= (NM_001378467.1); c.2163T>C, p.Phe721= (NM_001378469.1); c.2127T>C, p.Phe709= (NM_001378470.1); c.2118T>C, p.Phe706= (NM_001378471.1); c.2073T>C, p.Phe691= (NM_001378472.1, NM_001378473.1); c.1965T>C, p.Phe655= (NM_001378475.1); and 1 more.
Identifiers: ClinVar variation 44824 (VCV000044824.12), dbSNP rs397516901, ClinGen allele CA135119.
Genomic context (GRCh38, chr7:140,734,669, plus strand): 5'-AAACGCACCATATCCCCCTGCCTGGATGGGTGTTTTTGGAGAAGCACAAGCATATAGACT[A>G]AAATCCTCTGTTTGGAAACCAGCCCGATTCAAGGAGGGTTCTGATGCACTGCGGTGAATT-3'
Protein context (NP_004324.2, residues 733-753): LNRAGFQTED[Phe743=]SLYACASPKT